The following is an entry in ClinVar:

NM_001330574.2(ZNF711):c.531_532dup (p.Gly178fs)

Gene: ZNF711 (zinc finger protein 711; plus strand). Cytogenetic location: Xq21.1.
Variant type: Duplication.
Coding change: c.531_532dup on transcript NM_001330574.2 (MANE Select); coding-DNA positions 531 to 532, 2 bases duplicated (AG; older notation c.531_532dupAG).
Protein change: p.Gly178fs; shifts the reading frame from glycine 178.
Molecular consequence: frameshift variant.
Genome position (GRCh38, 1-based): chrX:85,255,710-85,255,711, AG duplicated; duplicating any 2 consecutive bases within chrX:85,255,709-85,255,711 gives the same sequence; the c. name uses the placement nearest the transcript's 3' end. VCF-style (leftmost placement, unchanged base first): chrX-85255708-G-GGA. GRCh37 (hg19) VCF-style: chrX-84510714-G-GGA.
Other names: c.531_532dup, p.Gly178fs (NM_001375431.1, NM_001375432.1, NM_001375433.1 and 5 more transcripts); short protein forms G178fs.
Identifiers: ClinVar variation 3259326 (VCV003259326.1).

ClinVar aggregate classification (germline): Pathogenic (1 of 4 stars; one submission).

Conditions:
Inborn genetic diseases. Identifiers: MedGen C0950123, MeSH D030342.

Submission:

Ambry Genetics
Classification: Pathogenic for Inborn genetic diseases. Last evaluated: 2024-04-05. Review status: criteria provided, single submitter. Criteria: Ambry Variant Classification Scheme 2023. Collection method: clinical testing. Allele origin: germline.
Comment: The c.531_532dupAG (p.G178Efs*10) alteration, located in exon 4 (coding exon 2) of the ZNF711 gene, consists of a duplication of AG at position 531, causing a translational frameshift with a predicted alternate stop codon after 10 amino acids. This alteration is expected to result in loss of function by premature protein truncation or nonsense-mediated mRNA decay. This variant was not reported in population-based cohorts in the Genome Aggregation Database (gnomAD). Based on the available evidence, this alteration is classified as pathogenic.